The following is an entry in ClinVar:

ClinVar aggregate classification (germline): Uncertain significance (1 of 4 stars; one submission).

Conditions:
EPILEPSY, CHILDHOOD ABSENCE, SUSCEPTIBILITY TO, 2 (ECA2). Identifiers: Orphanet 64280, MedGen C1843244, OMIM 607681.
Febrile seizures, familial, 8 (FEB8). Also called: CONVULSIONS, FAMILIAL FEBRILE, 8. Identifiers: Orphanet 36387, MedGen C1969810, MONDO:0011891, OMIM 607681.

Submission:

Labcorp Genetics (formerly Invitae), Labcorp
Classification: Uncertain significance for Febrile seizures, familial, 8; EPILEPSY, CHILDHOOD ABSENCE, SUSCEPTIBILITY TO, 2. Last evaluated: 2023-06-04. Review status: criteria provided, single submitter. Criteria: Invitae Variant Classification Sherloc (09022015). Collection method: clinical testing. Allele origin: germline.
Comment: This variant has not been reported in the literature in individuals affected with GABRG2-related conditions. In summary, the available evidence is currently insufficient to determine the role of this variant in disease. Therefore, it has been classified as a Variant of Uncertain Significance. Advanced modeling of protein sequence and biophysical properties (such as structural, functional, and spatial information, amino acid conservation, physicochemical variation, residue mobility, and thermodynamic stability) performed at Invitae indicates that this missense variant is expected to disrupt GABRG2 protein function. This variant is not present in population databases (gnomAD no frequency). This sequence change replaces tyrosine, which is neutral and polar, with cysteine, which is neutral and slightly polar, at codon 259 of the GABRG2 protein (p.Tyr259Cys).

NM_198904.4(GABRG2):c.776A>G (p.Tyr259Cys)

Gene: GABRG2 (gamma-aminobutyric acid type A receptor subunit gamma2; plus strand). Cytogenetic location: 5q34.
Variant type: single nucleotide variant.
Coding change: c.776A>G on transcript NM_198904.4 (MANE Select); coding-DNA position 776, A replaced by G.
Protein change: p.Tyr259Cys; replaces tyrosine 259 with cysteine.
Molecular consequence: missense variant.
Genome position (GRCh38, 1-based): chr5:162,142,170, A>G. VCF-style: chr5-162142170-A-G. GRCh37 (hg19) VCF-style: chr5-161569176-A-G.
Other names: c.776A>G, p.Tyr259Cys (NM_000816.3, NM_001375340.1); c.767A>G, p.Tyr256Cys (NM_001375339.1); c.773A>G, p.Tyr258Cys (NM_001375341.1, NM_001375342.1); c.896A>G, p.Tyr299Cys (NM_001375343.1, NM_198903.2); c.815A>G, p.Tyr272Cys (NM_001375344.1); c.710A>G, p.Tyr237Cys (NM_001375345.1, NM_001375346.1); c.689A>G, p.Tyr230Cys (NM_001375347.1); c.356A>G, p.Tyr119Cys (NM_001375348.1, NM_001375350.1); and 1 more; short protein forms Y119C, Y230C, Y237C, Y256C, Y258C, Y272C, Y164C, Y259C.
Identifiers: ClinVar variation 2948529 (VCV002948529.3), dbSNP rs2532725907, ClinGen allele CA362181952.